The following is an entry in ClinVar:

ClinVar aggregate classification (germline): Uncertain significance (1 of 4 stars; one submission).

Submission:

GeneDx
Classification: Uncertain significance. Last evaluated: 2024-02-29. Review status: criteria provided, single submitter. Criteria: GeneDx Variant Classification Process June 2021. Collection method: clinical testing. Allele origin: germline. Affected: yes.
Comment: Not observed at significant frequency in large population cohorts (gnomAD); In silico analysis supports that this missense variant does not alter protein structure/function; Has not been previously published as pathogenic or benign to our knowledge

NM_000875.5(IGF1R):c.1609G>C (p.Glu537Gln)

Gene: IGF1R (insulin like growth factor 1 receptor; plus strand). Cytogenetic location: 15q26.3.
Variant type: single nucleotide variant.
Coding change: c.1609G>C on transcript NM_000875.5 (MANE Select); coding-DNA position 1609, G replaced by C.
Protein change: p.Glu537Gln; replaces glutamic acid 537 with glutamine.
Molecular consequence: missense variant.
Genome position (GRCh38, 1-based): chr15:98,913,063, G>C. VCF-style: chr15-98913063-G-C. GRCh37 (hg19) VCF-style: chr15-99456292-G-C.
Other names: c.1609G>C, p.Glu537Gln (NM_001291858.2); short protein forms E537Q.
Identifiers: ClinVar variation 3373541 (VCV003373541.1).